The following is an entry in ClinVar:

NM_000815.5(GABRD):c.16C>G (p.Arg6Gly)

Gene: GABRD (gamma-aminobutyric acid type A receptor subunit delta; plus strand). Cytogenetic location: 1p36.33.
Variant type: single nucleotide variant.
Coding change: c.16C>G on transcript NM_000815.5 (MANE Select); coding-DNA position 16, C replaced by G.
Protein change: p.Arg6Gly; replaces arginine 6 with glycine.
Molecular consequence: missense variant.
Genome position (GRCh38, 1-based): chr1:2,019,439, C>G. VCF-style: chr1-2019439-C-G. GRCh37 (hg19) VCF-style: chr1-1950878-C-G.
Other names: short protein forms R6G.
Identifiers: ClinVar variation 1062099 (VCV001062099.9), dbSNP rs1658714306, ClinGen allele CA337953593.

ClinVar aggregate classification (germline): Uncertain significance (1 of 4 stars; one submission).

Conditions:
Idiopathic generalized epilepsy. Also called: Generalised epilepsy; EIG. Identifiers: MedGen C0270850, MONDO:0005579, OMIM 600669.

gnomAD v4.1: 1 of 1,087,490 alleles (0.000092%); highest among the groups gnomAD compares: Non-Finnish European, 0.00011%; no homozygotes.

Submission:

Labcorp Genetics (formerly Invitae), Labcorp
Classification: Uncertain significance for Idiopathic generalized epilepsy. Last evaluated: 2022-08-22. Review status: criteria provided, single submitter. Criteria: Invitae Variant Classification Sherloc (09022015). Collection method: clinical testing. Allele origin: germline.
Comment: The frequency data for this variant in the population databases is considered unreliable, as metrics indicate insufficient coverage at this position in the gnomAD database. In summary, the available evidence is currently insufficient to determine the role of this variant in disease. Therefore, it has been classified as a Variant of Uncertain Significance. Algorithms developed to predict the effect of missense changes on protein structure and function output the following: SIFT: "Tolerated"; PolyPhen-2: "Not Available"; Align-GVGD: "Class C0". The glycine amino acid residue is found in multiple mammalian species, which suggests that this missense change does not adversely affect protein function. ClinVar contains an entry for this variant (Variation ID: 1062099). This variant has not been reported in the literature in individuals affected with GABRD-related conditions. This sequence change replaces arginine, which is basic and polar, with glycine, which is neutral and non-polar, at codon 6 of the GABRD protein (p.Arg6Gly).